The following is an entry in ClinVar:

NM_182916.3(TRNT1):c.826G>A (p.Glu276Lys)

Gene: TRNT1 (tRNA nucleotidyl transferase 1; plus strand). Cytogenetic location: 3p26.2.
Variant type: single nucleotide variant.
Coding change: c.826G>A on transcript NM_182916.3 (MANE Select); coding-DNA position 826, G replaced by A.
Protein change: p.Glu276Lys; replaces glutamic acid 276 with lysine.
Molecular consequence: missense variant. On other transcripts: non-coding transcript variant (8).
Genome position (GRCh38, 1-based): chr3:3,147,473, G>A. VCF-style: chr3-3147473-G-A. GRCh37 (hg19) VCF-style: chr3-3189157-G-A.
Other names: c.766G>A, p.Glu256Lys (NM_001302946.2); c.826G>A, p.Glu276Lys (NM_001367321.1, NM_001367322.1, NM_001367323.1); short protein forms E276K, E256K.
Identifiers: ClinVar variation 839964 (VCV000839964.5), dbSNP rs766270526, ClinGen allele CA2228807.

ClinVar aggregate classification (germline): Uncertain significance. Review status: criteria provided, multiple submitters, no conflicts (2 of 4 stars). 2 submissions from 2 submitters: Uncertain significance (2). Last evaluated 2022-07-19.

Conditions:
Congenital sideroblastic anemia-B-cell immunodeficiency-periodic fever-developmental delay syndrome. Also called: Sideroblastic anemia with B-cell immunodeficiency, periodic fevers, and developmental delay. Identifiers: Orphanet 369861, MedGen C4015172, MONDO:0014487, OMIM 616084.
Retinitis pigmentosa and erythrocytic microcytosis (RPEM). Identifiers: MedGen C4310776, MONDO:0014850, OMIM 616959.

Allele frequency attached by ClinVar (database versions not stated): ExAC 0.00001; gnomAD 0.00003; TOPMed 0.00003.
gnomAD v4.1: 17 of 1,613,480 alleles (0.0011%); highest among the groups gnomAD compares: Admixed American, 0.025%; no homozygotes.

Submissions (2):

Labcorp Genetics (formerly Invitae), Labcorp
Classification: Uncertain significance for Congenital sideroblastic anemia-B-cell immunodeficiency-periodic fever-developmental delay syndrome. Last evaluated: 2022-07-19. Review status: criteria provided, single submitter. Criteria: Invitae Variant Classification Sherloc (09022015). Collection method: clinical testing. Allele origin: germline.
Comment: This sequence change replaces glutamic acid, which is acidic and polar, with lysine, which is basic and polar, at codon 276 of the TRNT1 protein (p.Glu276Lys). This variant is present in population databases (rs766270526, gnomAD 0.02%). This variant has not been reported in the literature in individuals affected with TRNT1-related conditions. ClinVar contains an entry for this variant (Variation ID: 839964). Algorithms developed to predict the effect of missense changes on protein structure and function are either unavailable or do not agree on the potential impact of this missense change (SIFT: "Deleterious"; PolyPhen-2: "Benign"; Align-GVGD: "Class C15"). In summary, the available evidence is currently insufficient to determine the role of this variant in disease. Therefore, it has been classified as a Variant of Uncertain Significance.

Fulgent Genetics
Classification: Uncertain significance for Congenital sideroblastic anemia-B-cell immunodeficiency-periodic fever-developmental delay syndrome; Retinitis pigmentosa and erythrocytic microcytosis. Last evaluated: 2022-01-19. Review status: criteria provided, single submitter. Criteria: ACMG Guidelines, 2015. Collection method: clinical testing. Allele origin: unknown.